The following is an entry in ClinVar:

NM_001252024.2(TRPM1):c.3100G>A (p.Gly1034Arg)

Genes: TRPM1 (transient receptor potential cation channel subfamily M member 1; minus strand), TRPM1-AS1 (TRPM1 antisense RNA 1; plus strand). Cytogenetic location: 15q13.3.
Variant type: single nucleotide variant.
Coding change: c.3100G>A on transcript NM_001252024.2 (MANE Select); coding-DNA position 3100, G replaced by A.
Protein change: p.Gly1034Arg; replaces glycine 1034 with arginine.
Molecular consequence: missense variant.
Genome position (GRCh38, 1-based): chr15:31,031,010, C>T on the plus strand (G>A on the coding strand, the complement: TRPM1 is on the minus strand). VCF-style: chr15-31031010-C-T. GRCh37 (hg19) VCF-style: chr15-31323213-C-T.
Other names: c.3151G>A, p.Gly1051Arg (NM_001252020.2); c.3034G>A, p.Gly1012Arg (NM_002420.6); short protein forms G1034R, G1012R, G1051R.
Identifiers: ClinVar variation 2053196 (VCV002053196.4), dbSNP rs1327943239, ClinGen allele CA391544440.
Genomic context (GRCh38, chr15:31,031,010, plus strand): 5'-GGAAGAGAATCTTACTATGAATTCTACTCTTACGGTCTATCTGGTCTGCAAACACCTCTC[C>T]ATAGATCATCCAGTAGGGCATGTAGAAGATGTTTCGGGCCAGTTTCCAAGAGGGCTTCTC-3'
Protein context (NP_001238953.1, residues 1024-1044): IFYMPYWMIY[Gly1034Arg]EVFADQIDLY

ClinVar aggregate classification (germline): Uncertain significance (1 of 4 stars; one submission).

Allele frequency attached by ClinVar (database versions not stated): gnomAD exomes below 0.00001.
gnomAD v4.1: 2 of 1,614,176 alleles (0.00012%); highest among the groups gnomAD compares: Non-Finnish European, 0.00017%; no homozygotes.

Submission:

Labcorp Genetics (formerly Invitae), Labcorp
Classification: Uncertain significance. Last evaluated: 2022-08-15. Review status: criteria provided, single submitter. Criteria: Invitae Variant Classification Sherloc (09022015). Collection method: clinical testing. Allele origin: germline.
Comment: In summary, the available evidence is currently insufficient to determine the role of this variant in disease. Therefore, it has been classified as a Variant of Uncertain Significance. Algorithms developed to predict the effect of sequence changes on RNA splicing suggest that this variant may disrupt the consensus splice site. Algorithms developed to predict the effect of missense changes on protein structure and function (SIFT, PolyPhen-2, Align-GVGD) all suggest that this variant is likely to be disruptive. This variant has not been reported in the literature in individuals affected with TRPM1-related conditions. This variant is present in population databases (no rsID available, gnomAD 0.0009%). This sequence change replaces glycine, which is neutral and non-polar, with arginine, which is basic and polar, at codon 1012 of the TRPM1 protein (p.Gly1012Arg).